The following is an entry in ClinVar:

NM_002838.5(PTPRC):c.3509+4C>T

Gene: PTPRC (protein tyrosine phosphatase receptor type C; plus strand). Cytogenetic location: 1q32.1.
Variant type: single nucleotide variant.
Coding change: c.3509+4C>T on transcript NM_002838.5 (MANE Select); 4 bases into the intron after coding-DNA position 3509, C replaced by T.
Molecular consequence: intron variant.
Genome position (GRCh38, 1-based): chr1:198,752,776, C>T. VCF-style: chr1-198752776-C-T. GRCh37 (hg19) VCF-style: chr1-198721905-C-T.
Other names: c.3026+4C>T (NM_080921.4).
Identifiers: ClinVar variation 508838 (VCV000508838.6), dbSNP rs574020110, ClinGen allele CA1315455.
Genomic context (GRCh38, chr1:198,752,776, plus strand): 5'-GAATTCCTCTGAAGGGAACAAGCATCACAAGAGTACACCTCTACTCATTCACTGCAGGTG[C>T]GTGGGATTTGGTAGAATGTGCTCTCAAAATCATAATGCTTGACTTCTCGGTTCACATGTT-3'

ClinVar aggregate classification (germline): Conflicting classifications of pathogenicity. Review status: criteria provided, conflicting classifications (1 of 4 stars). 2 submissions from 2 submitters: Uncertain significance (1); Likely benign (1). Last evaluated 2022-10-05.

Conditions:
Immunodeficiency 104. Also called: Severe Combined Immune Deficiency, Autosomal Recessive, TCell -Negative, B Cell-Positive, NK Cell-Positive, IL7R-Related; SCID, AUTOSOMAL RECESSIVE, T CELL-NEGATIVE, B CELL-POSITIVE, NK CELL-POSITIVE; Severe combined immunodeficiency, autosomal recessive, T cell-negative, B cell-positive, NK cell-positive; IMMUNODEFICIENCY 104, SEVERE COMBINED. Identifiers: MedGen C5676890, MONDO:0012163, OMIM 608971.

Allele frequency attached by ClinVar (database versions not stated): gnomAD 0.00009; TOPMed 0.00009; ExAC 0.00022; gnomAD exomes 0.00026.
gnomAD v4.1: 123 of 1,611,452 alleles (0.0076%); highest among the groups gnomAD compares: Admixed American, 0.08%; no homozygotes.

Submissions (2):

Labcorp Genetics (formerly Invitae), Labcorp
Classification: Uncertain significance for Immunodeficiency 104. Last evaluated: 2022-10-05. Review status: criteria provided, single submitter. Criteria: Invitae Variant Classification Sherloc (09022015). Collection method: clinical testing. Allele origin: germline.
Comment: This sequence change falls in intron 31 of the PTPRC gene. It does not directly change the encoded amino acid sequence of the PTPRC protein. It affects a nucleotide within the consensus splice site. This variant is present in population databases (rs574020110, gnomAD 0.1%). This variant has not been reported in the literature in individuals affected with PTPRC-related conditions. ClinVar contains an entry for this variant (Variation ID: 508838). Variants that disrupt the consensus splice site are a relatively common cause of aberrant splicing (PMID: 17576681, 9536098). Algorithms developed to predict the effect of sequence changes on RNA splicing suggest that this variant is not likely to affect RNA splicing. In summary, the available evidence is currently insufficient to determine the role of this variant in disease. Therefore, it has been classified as a Variant of Uncertain Significance.

GeneDx
Classification: Likely benign. Last evaluated: 2017-04-06. Review status: criteria provided, single submitter. Criteria: GeneDx Variant Classification (06012015). Collection method: clinical testing. Allele origin: germline. Affected: yes.
Comment: This variant is considered likely benign or benign based on one or more of the following criteria: it is a conservative change, it occurs at a poorly conserved position in the protein, it is predicted to be benign by multiple in silico algorithms, and/or has population frequency not consistent with disease.

Literature cited by the submitters: PubMed 17576681 (cited by Labcorp Genetics (formerly Invitae), Labcorp); PubMed 9536098 (cited by Labcorp Genetics (formerly Invitae), Labcorp).